The following is an entry in ClinVar:

NM_001371623.1(TCOF1):c.1590G>A (p.Gly530=)

Gene: TCOF1 (treacle ribosome biogenesis factor 1; plus strand). Cytogenetic location: 5q32.
Variant type: single nucleotide variant.
Coding change: c.1590G>A on transcript NM_001371623.1 (MANE Select); coding-DNA position 1590, G replaced by A.
Protein change: p.Gly530=; no amino-acid change (glycine 530 retained).
Molecular consequence: synonymous variant.
Genome position (GRCh38, 1-based): chr5:150,375,440, G>A. VCF-style: chr5-150375440-G-A. GRCh37 (hg19) VCF-style: chr5-149755003-G-A.
Other names: c.1359G>A, p.Gly453= (NM_000356.4, NM_001135245.2); c.1590G>A, p.Gly530= (NM_001008657.3, NM_001135243.2, NM_001135244.2 and 1 more transcripts).
Identifiers: ClinVar variation 352208 (VCV000352208.20), dbSNP rs145539529, ClinGen allele CA3510924.

ClinVar aggregate classification (germline): Benign/Likely benign. Review status: criteria provided, multiple submitters, no conflicts (2 of 4 stars). 5 submissions from 5 submitters: Benign (3); Likely benign (1). 1 of the submissions does not count toward it. Last evaluated 2026-04-01.

Conditions:
Treacher Collins syndrome 1 (TCS1). Also called: TCOF1-Related Treacher Collins Syndrome. Identifiers: Orphanet 861, MedGen CN315775, MONDO:0007944, OMIM 154500.
TCOF1-related disorder. Also called: TCOF1-related condition.

Allele frequency attached by ClinVar (database versions not stated): ESP Exome Variant Server 0.00100; gnomAD exomes 0.00110 and 0.00237; gnomAD 0.00115 and 0.00071; ExAC 0.00261; 1000 Genomes Project 0.00419; 1000 Genomes Project 30x 0.00453; TOPMed 0.00083.
gnomAD v4.1: 1,842 of 1,613,788 alleles (0.11%); highest among the groups gnomAD compares: South Asian, 1.3%; 21 homozygotes.

Submissions (5):

CeGaT Center for Human Genetics Tuebingen
Classification: Benign. Last evaluated: 2026-04-01. Review status: criteria provided, single submitter. Criteria: CeGaT Center For Human Genetics Tuebingen Variant Classification Criteria Version 2. Collection method: clinical testing. Allele origin: germline. Affected: yes. Observed: 1 variant allele.
Comment: TCOF1: BP4, BP7, BS1, BS2

Labcorp Genetics (formerly Invitae), Labcorp
Classification: Benign for Treacher Collins syndrome 1. Last evaluated: 2026-01-19. Review status: criteria provided, single submitter. Criteria: Invitae Variant Classification Sherloc (09022015). Collection method: clinical testing. Allele origin: germline.

Blueprint Genetics
Classification: Likely benign. Last evaluated: 2024-11-25. Review status: criteria provided, single submitter. Criteria: ACMG Guidelines, 2015. Collection method: clinical testing. Allele origin: germline.

GeneDx
Classification: Benign. Last evaluated: 2019-06-17. Review status: criteria provided, single submitter. Criteria: GeneDx Variant Classification Process June 2021. Collection method: clinical testing. Allele origin: germline. Affected: yes.

PreventionGenetics, part of Exact Sciences
Classification: Benign for TCOF1-related condition. Last evaluated: 2022-02-08. Review status: no assertion criteria provided. Collection method: clinical testing. Allele origin: germline. Not counted in ClinVar's aggregate classification.
Comment: This variant is classified as benign based on ACMG/AMP sequence variant interpretation guidelines (Richards et al. 2015 PMID: 25741868, with internal and published modifications).